The following is an entry in ClinVar:

NM_005228.5(EGFR):c.2397G>C (p.Leu799=)

Genes: EGFR (epidermal growth factor receptor; plus strand), EGFR-AS1 (EGFR antisense RNA 1; minus strand). Cytogenetic location: 7p11.2.
Variant type: single nucleotide variant.
Coding change: c.2397G>C on transcript NM_005228.5 (MANE Select); coding-DNA position 2397, G replaced by C.
Protein change: p.Leu799=; no amino-acid change (leucine 799 retained).
Molecular consequence: synonymous variant. On other transcripts: non-coding transcript variant (1).
Genome position (GRCh38, 1-based): chr7:55,181,406, G>C. VCF-style: chr7-55181406-G-C. GRCh37 (hg19) VCF-style: chr7-55249099-G-C.
Other names: c.2262G>C, p.Leu754= (NM_001346897.2, NM_001346899.2); c.2397G>C, p.Leu799= (NM_001346898.2); c.2238G>C, p.Leu746= (NM_001346900.2); c.1596G>C, p.Leu532= (NM_001346941.2).
Identifiers: ClinVar variation 3773358 (VCV003773358.1).

ClinVar aggregate classification (germline): Benign (1 of 4 stars; one submission).

Conditions:
Lung cancer. Also called: Lung cancer, somatic; Malignant tumor of lung. Identifiers: MedGen C0242379, MONDO:0008903, OMIM 211980.

Submission:

Myriad Genetics, Inc.
Classification: Benign for Lung cancer. Last evaluated: 2024-10-16. Review status: criteria provided, single submitter. Criteria: Myriad Autosomal Dominant, Autosomal Recessive and X-Linked Classification Criteria (2023). Collection method: clinical testing. Allele origin: unknown.
Comment: This variant is considered benign. This variant is a silent/synonymous amino acid change and it is not expected to impact splicing.